The following is an entry in ClinVar:

NM_003816.3(ADAM9):c.2116A>G (p.Ile706Val)

Gene: ADAM9 (ADAM metallopeptidase domain 9; plus strand). Cytogenetic location: 8p11.22.
Variant type: single nucleotide variant.
Coding change: c.2116A>G on transcript NM_003816.3 (MANE Select); coding-DNA position 2116, A replaced by G.
Protein change: p.Ile706Val; replaces isoleucine 706 with valine.
Molecular consequence: missense variant. On other transcripts: non-coding transcript variant (2).
Genome position (GRCh38, 1-based): chr8:39,090,094, A>G. VCF-style: chr8-39090094-A-G. GRCh37 (hg19) VCF-style: chr8-38947613-A-G.
Other names: short protein forms I706V.
Identifiers: ClinVar variation 950687 (VCV000950687.5), dbSNP rs771595185, ClinGen allele CA4721807.

ClinVar aggregate classification (germline): Uncertain significance. Review status: criteria provided, multiple submitters, no conflicts (2 of 4 stars). 2 submissions from 2 submitters: Uncertain significance (2). Last evaluated 2022-09-26.

Allele frequency attached by ClinVar (database versions not stated): gnomAD 0.00003; ExAC 0.00004; TOPMed 0.00004; gnomAD exomes 0.00005 and 0.00006.
gnomAD v4.1: 83 of 1,613,758 alleles (0.0051%); highest among the groups gnomAD compares: Admixed American, 0.025%; no homozygotes.

Submissions (2):

Labcorp Genetics (formerly Invitae), Labcorp
Classification: Uncertain significance. Last evaluated: 2022-09-26. Review status: criteria provided, single submitter. Criteria: Invitae Variant Classification Sherloc (09022015). Collection method: clinical testing. Allele origin: germline.
Comment: This sequence change replaces isoleucine, which is neutral and non-polar, with valine, which is neutral and non-polar, at codon 706 of the ADAM9 protein (p.Ile706Val). This variant is present in population databases (rs771595185, gnomAD 0.03%). This variant has not been reported in the literature in individuals affected with ADAM9-related conditions. ClinVar contains an entry for this variant (Variation ID: 950687). Advanced modeling of protein sequence and biophysical properties (such as structural, functional, and spatial information, amino acid conservation, physicochemical variation, residue mobility, and thermodynamic stability) performed at Invitae indicates that this missense variant is not expected to disrupt ADAM9 protein function. Algorithms developed to predict the effect of sequence changes on RNA splicing suggest that this variant may disrupt the consensus splice site. In summary, the available evidence is currently insufficient to determine the role of this variant in disease. Therefore, it has been classified as a Variant of Uncertain Significance.

Blueprint Genetics
Classification: Uncertain significance. Last evaluated: 2022-01-14. Review status: criteria provided, single submitter. Criteria: ACMG Guidelines, 2015. Collection method: clinical testing. Allele origin: germline.